The following is an entry in ClinVar:

NM_016138.5(COQ7):c.320G>A (p.Arg107Gln)

Gene: COQ7 (coenzyme Q7, hydroxylase; plus strand). Cytogenetic location: 16p12.3.
Variant type: single nucleotide variant.
Coding change: c.320G>A on transcript NM_016138.5 (MANE Select); coding-DNA position 320, G replaced by A.
Protein change: p.Arg107Gln; replaces arginine 107 with glutamine.
Molecular consequence: missense variant. On other transcripts: non-coding transcript variant (2).
Genome position (GRCh38, 1-based): chr16:19,073,988, G>A. VCF-style: chr16-19073988-G-A. GRCh37 (hg19) VCF-style: chr16-19085310-G-A.
Other names: c.206G>A, p.Arg69Gln (NM_001190983.2, NM_001370492.1, NM_001370493.1 and 2 more transcripts); c.278G>A, p.Arg93Gln (NM_001370489.1, NM_001370491.1); c.320G>A, p.Arg107Gln (NM_001370490.1); short protein forms R107Q, R93Q, R69Q.
Identifiers: ClinVar variation 1924831 (VCV001924831.5), dbSNP rs777506397, ClinGen allele CA7932970.
Genomic context (GRCh38, chr16:19,073,988, plus strand): 5'-GGGATCAAGAAAAGGACCATTTGAAAAAGTTCAATGAGTTGATGGTTACGTTCAGGGTCC[G>A]GCCAACAGTTCTGATGCCCTTGTGGAACGTGCTGGGGTTTGCACTGGGTACGTGTCTCTC-3'
Protein context (NP_057222.2, residues 97-117): FNELMVTFRV[Arg107Gln]PTVLMPLWNV

ClinVar aggregate classification (germline): Uncertain significance (1 of 4 stars; one submission).

Allele frequency attached by ClinVar (database versions not stated): ExAC 0.00001; gnomAD exomes 0.00002; gnomAD 0.00003.
gnomAD v4.1: 31 of 1,613,550 alleles (0.0019%); highest among the groups gnomAD compares: Middle Eastern, 0.016%; no homozygotes.

Submission:

Labcorp Genetics (formerly Invitae), Labcorp
Classification: Uncertain significance. Last evaluated: 2022-06-25. Review status: criteria provided, single submitter. Criteria: Invitae Variant Classification Sherloc (09022015). Collection method: clinical testing. Allele origin: germline.
Comment: In summary, the available evidence is currently insufficient to determine the role of this variant in disease. Therefore, it has been classified as a Variant of Uncertain Significance. Algorithms developed to predict the effect of missense changes on protein structure and function are either unavailable or do not agree on the potential impact of this missense change (SIFT: "Tolerated"; PolyPhen-2: "Probably Damaging"; Align-GVGD: "Class C0"). This variant has not been reported in the literature in individuals affected with COQ7-related conditions. This variant is present in population databases (rs777506397, gnomAD 0.003%). This sequence change replaces arginine, which is basic and polar, with glutamine, which is neutral and polar, at codon 107 of the COQ7 protein (p.Arg107Gln).